The following is an entry in ClinVar:

NM_000135.4(FANCA):c.1868A>G (p.Gln623Arg)

Gene: FANCA (FA complementation group A; minus strand). Cytogenetic location: 16q24.3.
Variant type: single nucleotide variant.
Coding change: c.1868A>G on transcript NM_000135.4 (MANE Select); coding-DNA position 1868, A replaced by G.
Protein change: p.Gln623Arg; replaces glutamine 623 with arginine.
Molecular consequence: missense variant.
Genome position (GRCh38, 1-based): chr16:89,775,774, T>C on the plus strand (A>G on the coding strand, the complement: FANCA is on the minus strand). VCF-style: chr16-89775774-T-C. GRCh37 (hg19) VCF-style: chr16-89842182-T-C.
Other names: c.1868A>G, p.Gln623Arg (NM_001286167.3); short protein forms Q623R.
Identifiers: ClinVar variation 2020127 (VCV002020127.3), dbSNP rs560076524, ClinGen allele CA397451895.

ClinVar aggregate classification (germline): Uncertain significance. Review status: criteria provided, multiple submitters, no conflicts (2 of 4 stars). 2 submissions from 2 submitters: Uncertain significance (2). Last evaluated 2025-01-31.

Conditions:
Inborn genetic diseases. Identifiers: MedGen C0950123, MeSH D030342.
Fanconi anemia (FA). Also called: Fanconi's anemia. Identifiers: Orphanet 84, MedGen C0015625, MeSH D005199, MONDO:0019391.

gnomAD v4.1: 1 of 1,612,948 alleles (0.000062%); no homozygotes.

Submissions (2):

Ambry Genetics
Classification: Uncertain significance for Inborn genetic diseases. Last evaluated: 2025-01-31. Review status: criteria provided, single submitter. Criteria: Ambry Variant Classification Scheme 2023. Collection method: clinical testing. Allele origin: germline.
Comment: The p.Q623R variant (also known as c.1868A>G), located in coding exon 21 of the FANCA gene, results from an A to G substitution at nucleotide position 1868. The glutamine at codon 623 is replaced by arginine, an amino acid with highly similar properties. This amino acid position is conserved. In addition, this alteration is predicted to be tolerated by in silico analysis. Based on the available evidence, the clinical significance of this variant remains unclear.

Labcorp Genetics (formerly Invitae), Labcorp
Classification: Uncertain significance for Fanconi anemia. Last evaluated: 2023-07-28. Review status: criteria provided, single submitter. Criteria: Invitae Variant Classification Sherloc (09022015). Collection method: clinical testing. Allele origin: germline.
Comment: This sequence change replaces glutamine, which is neutral and polar, with arginine, which is basic and polar, at codon 623 of the FANCA protein (p.Gln623Arg). This variant is not present in population databases (gnomAD no frequency). This variant has not been reported in the literature in individuals affected with FANCA-related conditions. ClinVar contains an entry for this variant (Variation ID: 2020127). Advanced modeling of protein sequence and biophysical properties (such as structural, functional, and spatial information, amino acid conservation, physicochemical variation, residue mobility, and thermodynamic stability) performed at Invitae indicates that this missense variant is not expected to disrupt FANCA protein function. In summary, the available evidence is currently insufficient to determine the role of this variant in disease. Therefore, it has been classified as a Variant of Uncertain Significance.